The following is an entry in ClinVar:

ClinVar aggregate classification (germline): Likely pathogenic (1 of 4 stars; one submission).

Conditions:
Familial multiple polyposis syndrome (FAP). Also called: Familial adenomatous polyposis; Familial intestinal polyposis; Classic familial adenomatous polyposis; Familial Adenomatous Polyposis (FAP); Familial polyposis. Identifiers: Orphanet 733, MedGen C0032580, MONDO:0021055. Disease mechanism: loss of function.

Submission:

Women's Health and Genetics/Laboratory Corporation of America, LabCorp
Classification: Likely pathogenic for Familial multiple polyposis syndrome. Last evaluated: 2022-11-25. Review status: criteria provided, single submitter. Criteria: LabCorp Variant Classification Summary - May 2015. Collection method: clinical testing. Allele origin: germline.
Comment: Variant summary: APC c.1499_1500dupAT (p.Ala501MetfsX6) results in a premature termination codon, predicted to cause a truncation of the encoded protein or absence of the protein due to nonsense mediated decay, which are commonly known mechanisms for disease. Truncations downstream of this position have been classified as pathogenic by our laboratory. The variant was absent in 251260 control chromosomes. To our knowledge, no occurrence of c.1499_1500dupAT in individuals affected with Familial Adenomatous Polyposis and no experimental evidence demonstrating its impact on protein function have been reported. No clinical diagnostic laboratories have submitted clinical-significance assessments for this variant to ClinVar after 2014. Based on the evidence outlined above, the variant was classified as likely pathogenic.

NM_000038.6(APC):c.1499_1500dup (p.Ala501fs)

Gene: APC (APC regulator of Wnt signaling pathway; plus strand). Cytogenetic location: 5q22.2.
Variant type: Microsatellite.
Coding change: c.1499_1500dup on transcript NM_000038.6 (MANE Select); coding-DNA positions 1499 to 1500, 2 bases duplicated (AT; older notation c.1499_1500dupAT).
Protein change: p.Ala501fs; shifts the reading frame from alanine 501.
Molecular consequence: frameshift variant.
Genome position (GRCh38, 1-based): chr5:112,827,198-112,827,199, AT duplicated; duplicating any 2 consecutive bases within chr5:112,827,196-112,827,199 gives the same sequence; the c. name uses the placement nearest the transcript's 3' end. VCF-style (leftmost placement, unchanged base first): chr5-112827195-G-GAT. GRCh37 (hg19) VCF-style: chr5-112162892-G-GAT.
Other names: c.1194_1195AT[3], p.Ala400Metfs (NM_001407460.1, NM_001407458.1, NM_001407459.1); c.1110_1111AT[3], p.Ala372Metfs (NM_001407467.1, NM_001407469.1); c.648_649AT[3], p.Ala218Metfs (NM_001407470.1); c.345_346AT[3], p.Ala117Metfs (NM_001407471.1, NM_001407472.1); c.1499_1500dup, p.Ala501fs (NM_001127510.3, NM_001354895.2); c.1445_1446dup, p.Ala483fs (NM_001127511.3); c.1553_1554dup, p.Ala519fs (NM_001354896.2); c.1529_1530dup, p.Ala511fs (NM_001354897.2); and 16 more; short protein forms A218fs, A341fs, A375fs, A400fs, A410fs, A442fs, A460fs, A473fs.
Identifiers: ClinVar variation 1804696 (VCV001804696.1), dbSNP rs2533199067, ClinGen allele CA2580613625.
Genomic context (GRCh38, chr5:112,827,195, plus strand): 5'-TGCAAGTGGACTGTGAAATGTATGGGCTTACTAATGACCACTACAGTATTACACTAAGAC[G>GAT]ATATGCTGGAATGGCTTTGACAAACTTGACTTTTGGAGATGTAGCCAACAAGGTATGTTT-3'